The following is an entry in ClinVar:

NM_001146334.2(NACAD):c.2522C>T (p.Ala841Val)

Gene: NACAD (NAC alpha domain containing; minus strand). Cytogenetic location: 7p13.
Variant type: single nucleotide variant.
Coding change: c.2522C>T on transcript NM_001146334.2 (MANE Select); coding-DNA position 2522, C replaced by T.
Protein change: p.Ala841Val; replaces alanine 841 with valine.
Molecular consequence: missense variant.
Genome position (GRCh38, 1-based): chr7:45,083,658, G>A on the plus strand (C>T on the coding strand, the complement: NACAD is on the minus strand). VCF-style: chr7-45083658-G-A. GRCh37 (hg19) VCF-style: chr7-45123257-G-A.
Other names: short protein forms A841V.
Identifiers: ClinVar variation 2673104 (VCV002673104.23), dbSNP rs10276909, ClinGen allele CA158011373.

ClinVar aggregate classification (germline): Likely benign (1 of 4 stars; one submission).

Submission:

CeGaT Center for Human Genetics Tuebingen
Classification: Likely benign. Last evaluated: 2023-11-01. Review status: criteria provided, single submitter. Criteria: CeGaT Center For Human Genetics Tuebingen Variant Classification Criteria Version 2. Collection method: clinical testing. Allele origin: germline. Affected: yes. Observed: 1 variant allele.
Comment: NACAD: BP4